The following is an entry in ClinVar:

ClinVar aggregate classification (germline): Uncertain significance. Review status: criteria provided, multiple submitters, no conflicts (2 of 4 stars). 4 submissions from 4 submitters: Uncertain significance (4). Last evaluated 2025-12-09.

Conditions:
Hereditary cancer-predisposing syndrome. Also called: Hereditary neoplastic syndrome; Tumor predisposition; Neoplastic Syndromes, Hereditary; Hereditary Cancer Syndrome. Identifiers: Orphanet 140162, MedGen C0027672, MeSH D009386, MONDO:0015356.
Neuroblastoma, susceptibility to, 3. Also called: ALK-Related Neuroblastic Tumor Susceptibility. Identifiers: Orphanet 635, MedGen C2751681, MONDO:0013083, OMIM 613014.

Allele frequency attached by ClinVar (database versions not stated): ExAC 0.00001; gnomAD 0.00001 and 0.00002; gnomAD exomes 0.00001 and 0.00002; TOPMed 0.00001.
gnomAD v4.1: 21 of 1,613,630 alleles (0.0013%); highest among the groups gnomAD compares: Middle Eastern, 0.016%; no homozygotes.

Submissions (4):

Labcorp Genetics (formerly Invitae), Labcorp
Classification: Uncertain significance for Neuroblastoma, susceptibility to, 3. Last evaluated: 2025-12-09. Review status: criteria provided, single submitter. Criteria: Invitae Variant Classification Sherloc (09022015). Collection method: clinical testing. Allele origin: germline.
Comment: This sequence change replaces arginine, which is basic and polar, with glutamine, which is neutral and polar, at codon 1209 of the ALK protein (p.Arg1209Gln). This variant is present in population databases (rs747643140, gnomAD 0.01%). This missense change has been observed in individual(s) with clinical features of ALK-related conditions (PMID: 36451132). ClinVar contains an entry for this variant (Variation ID: 958217). An algorithm developed to predict the effect of missense changes on protein structure and function (PolyPhen-2) suggests that this variant is likely to be disruptive. In summary, the available evidence is currently insufficient to determine the role of this variant in disease. Therefore, it has been classified as a Variant of Uncertain Significance.

Ambry Genetics
Classification: Uncertain significance for Hereditary cancer-predisposing syndrome. Last evaluated: 2024-05-07. Review status: criteria provided, single submitter. Criteria: Ambry Variant Classification Scheme 2023. Collection method: clinical testing. Allele origin: germline.
Comment: The p.R1209Q variant (also known as c.3626G>A), located in coding exon 23 of the ALK gene, results from a G to A substitution at nucleotide position 3626. The arginine at codon 1209 is replaced by glutamine, an amino acid with highly similar properties. This variant has been reported in an individual diagnosed with sarcoma (Huang KL et al. Cell, 2018 04;173:355-370.e14). This amino acid position is highly conserved in available vertebrate species. In addition, the in silico prediction for this alteration is inconclusive. Based on the available evidence, the clinical significance of this variant remains unclear.

Baylor Genetics
Classification: Uncertain significance for Neuroblastoma, susceptibility to, 3. Last evaluated: 2024-03-26. Review status: criteria provided, single submitter. Criteria: ACMG Guidelines, 2015. Collection method: clinical testing. Allele origin: unknown.

GeneDx
Classification: Uncertain significance. Last evaluated: 2022-11-10. Review status: criteria provided, single submitter. Criteria: GeneDx Variant Classification Process June 2021. Collection method: clinical testing. Allele origin: germline. Affected: yes.
Comment: Not observed at significant frequency in large population cohorts (gnomAD); In silico analysis supports that this missense variant has a deleterious effect on protein structure/function; Observed in an individual with sarcoma (Huang et al., 2018); This variant is associated with the following publications: (PMID: 29625052)

Literature cited by the submitters: PubMed 36451132 (cited by Labcorp Genetics (formerly Invitae), Labcorp); PubMed 29625052 (cited by Ambry Genetics).

NM_004304.5(ALK):c.3626G>A (p.Arg1209Gln)

Gene: ALK (ALK receptor tyrosine kinase; minus strand). Cytogenetic location: 2p23.2.
Variant type: single nucleotide variant.
Coding change: c.3626G>A on transcript NM_004304.5 (MANE Select); coding-DNA position 3626, G replaced by A.
Protein change: p.Arg1209Gln; replaces arginine 1209 with glutamine.
Molecular consequence: missense variant.
Genome position (GRCh38, 1-based): chr2:29,220,725, C>T on the plus strand (G>A on the coding strand, the complement: ALK is on the minus strand). VCF-style: chr2-29220725-C-T. GRCh37 (hg19) VCF-style: chr2-29443591-C-T.
Other names: c.422G>A, p.Arg141Gln (NM_001353765.2); short protein forms R141Q, R1209Q.
Identifiers: ClinVar variation 958217 (VCV000958217.14), dbSNP rs747643140, ClinGen allele CA1593844.